The following is an entry in ClinVar:

ClinVar aggregate classification (germline): Uncertain significance (1 of 4 stars; one submission).

Conditions:
Autosomal dominant Parkinson disease 8. Also called: Parkinson disease 8, susceptibility to; LRRK2-Related Parkinson Disease; Parkinson disease 8. Identifiers: Orphanet 411602, MedGen C1846862, MONDO:0011764, OMIM 607060.

Allele frequency attached by ClinVar (database versions not stated): TOPMed below 0.00001; gnomAD 0.00001; gnomAD exomes 0.00001.
gnomAD v4.1: 8 of 1,612,642 alleles (0.0005%); highest among the groups gnomAD compares: Middle Eastern, 0.016%; no homozygotes.

Submission:

Labcorp Genetics (formerly Invitae), Labcorp
Classification: Uncertain significance for Autosomal dominant Parkinson disease 8. Last evaluated: 2022-10-25. Review status: criteria provided, single submitter. Criteria: Invitae Variant Classification Sherloc (09022015). Collection method: clinical testing. Allele origin: germline.
Comment: This sequence change replaces valine, which is neutral and non-polar, with alanine, which is neutral and non-polar, at codon 458 of the LRRK2 protein (p.Val458Ala). This variant is not present in population databases (gnomAD no frequency). This variant has not been reported in the literature in individuals affected with LRRK2-related conditions. Advanced modeling of protein sequence and biophysical properties (such as structural, functional, and spatial information, amino acid conservation, physicochemical variation, residue mobility, and thermodynamic stability) has been performed at Invitae for this missense variant, however the output from this modeling did not meet the statistical confidence thresholds required to predict the impact of this variant on LRRK2 protein function. In summary, the available evidence is currently insufficient to determine the role of this variant in disease. Therefore, it has been classified as a Variant of Uncertain Significance.

NM_198578.4(LRRK2):c.1373T>C (p.Val458Ala)

Gene: LRRK2 (leucine rich repeat kinase 2; plus strand). Cytogenetic location: 12q12.
Variant type: single nucleotide variant.
Coding change: c.1373T>C on transcript NM_198578.4 (MANE Select); coding-DNA position 1373, T replaced by C.
Protein change: p.Val458Ala; replaces valine 458 with alanine.
Molecular consequence: missense variant.
Genome position (GRCh38, 1-based): chr12:40,257,332, T>C. VCF-style: chr12-40257332-T-C. GRCh37 (hg19) VCF-style: chr12-40651134-T-C.
Other names: short protein forms V458A.
Identifiers: ClinVar variation 2421491 (VCV002421491.6), dbSNP rs200308266, ClinGen allele CA235360629.
Genomic context (GRCh38, chr12:40,257,332, plus strand): 5'-CAAAAGGAATACACCTGAATGTTTTGGAGTTAATGCAGAAGCATATACATTCTCCTGAAG[T>C]GGCTGAAAGTGGCTGTAAAATGCTAAATCATCTTTTTGAAGGAAGGTAATATAGATTCAT-3'
Protein context (NP_940980.4, residues 448-468): LMQKHIHSPE[Val458Ala]AESGCKMLNH